The following is an entry in ClinVar:

NM_003672.4(CDC14A):c.1604A>G (p.Gln535Arg)

Gene: CDC14A (cell division cycle 14A; plus strand). Cytogenetic location: 1p21.2.
Variant type: single nucleotide variant.
Coding change: c.1604A>G on transcript NM_003672.4 (MANE Select); coding-DNA position 1604, A replaced by G.
Protein change: p.Gln535Arg; replaces glutamine 535 with arginine.
Molecular consequence: missense variant.
Genome position (GRCh38, 1-based): chr1:100,499,111, A>G. VCF-style: chr1-100499111-A-G. GRCh37 (hg19) VCF-style: chr1-100964667-A-G.
Other names: c.1604A>G, p.Gln535Arg (NM_001319210.2, NM_033312.3); c.1430A>G, p.Gln477Arg (NM_001319211.2); c.725A>G, p.Gln242Arg (NM_001319212.2); short protein forms Q535R, Q477R, Q242R.
Identifiers: ClinVar variation 509180 (VCV000509180.40), dbSNP rs113885721, ClinGen allele CA970939.

ClinVar aggregate classification (germline): Benign/Likely benign. Review status: criteria provided, multiple submitters, no conflicts (2 of 4 stars). 7 submissions from 7 submitters: Benign (2); Likely benign (4). 1 of the submissions does not count toward it. Last evaluated 2026-06-01.

Conditions:
CDC14A-related disorder. Also called: CDC14A-related condition.

Allele frequency attached by ClinVar (database versions not stated): 1000 Genomes Project 0.00180; 1000 Genomes Project 30x 0.00187; TOPMed 0.00256; gnomAD 0.00290 and 0.00292; ESP Exome Variant Server 0.00300; ExAC 0.00385.
gnomAD v4.1: 6,187 of 1,614,196 alleles (0.38%); highest among the groups gnomAD compares: Non-Finnish European, 0.49%; 16 homozygotes.

Submissions (7):

CeGaT Center for Human Genetics Tuebingen
Classification: Likely benign. Last evaluated: 2026-06-01. Review status: criteria provided, single submitter. Criteria: CeGaT Center For Human Genetics Tuebingen Variant Classification Criteria Version 2. Collection method: clinical testing. Allele origin: germline. Affected: yes. Observed: 9 variant alleles.
Comment: CDC14A: BP4, BS2

Labcorp Genetics (formerly Invitae), Labcorp
Classification: Benign. Last evaluated: 2025-12-31. Review status: criteria provided, single submitter. Criteria: Invitae Variant Classification Sherloc (09022015). Collection method: clinical testing. Allele origin: germline.

Blueprint Genetics
Classification: Likely benign. Last evaluated: 2024-11-22. Review status: criteria provided, single submitter. Criteria: ACMG Guidelines, 2015. Collection method: clinical testing. Allele origin: germline.

GeneDx
Classification: Benign. Last evaluated: 2018-07-02. Review status: criteria provided, single submitter. Criteria: GeneDx Variant Classification Process June 2021. Collection method: clinical testing. Allele origin: germline. Affected: yes.

Laboratory for Molecular Medicine, Mass General Brigham Personalized Medicine
Classification: Likely benign. Last evaluated: 2017-08-23. Review status: criteria provided, single submitter. Criteria: LMM Criteria. Collection method: clinical testing. Allele origin: germline. Observed: 3 variant alleles.
Comment: p.Gln535Arg in exon 15 of CDC14A: This variant is not expected to have clinical significance because it has been identified in 0.64% (429/66628) of European chr omosomes by the Exome Aggregation Consortium (ExAC, rg; dbSNP rs113885721).

Breakthrough Genomics
Classification: Likely benign. Review status: criteria provided, single submitter. Criteria: ACMG Guidelines, 2015. Collection method: not provided. Allele origin: germline. Inheritance: Autosomal recessive inheritance. Affected: yes.

PreventionGenetics, part of Exact Sciences
Classification: Likely benign for CDC14A-related condition. Last evaluated: 2020-02-11. Review status: no assertion criteria provided. Collection method: clinical testing. Allele origin: germline. Not counted in ClinVar's aggregate classification.
Comment: This variant is classified as likely benign based on ACMG/AMP sequence variant interpretation guidelines (Richards et al. 2015 PMID: 25741868, with internal and published modifications).